The following is an entry in ClinVar:

ClinVar aggregate classification (germline): Conflicting classifications of pathogenicity. Review status: criteria provided, conflicting classifications (1 of 4 stars). 4 submissions from 4 submitters: Uncertain significance (3); Likely benign (1). Last evaluated 2026-08-19.

Conditions:
Heterotopia, periventricular, X-linked dominant (PVNH1). Also called: PERIVENTRICULAR NODULAR HETEROTOPIA 1; X-linked periventricular heterotopia; PERIVENTRICULAR NODULAR HETEROTOPIA 4; HETEROTOPIA, PERIVENTRICULAR, 1. Identifiers: Orphanet 2149, Orphanet 82004, MedGen C1848213, MONDO:0010233, OMIM 300049.
Oto-palato-digital syndrome, type II (OPD2). Also called: Otopalatodigital Syndrome Type 2 (FLNA-OPD2); Otopalatodigital Syndrome, Type II; OPD II SYNDROME; FACIOPALATOOSSEOUS SYNDROME. Identifiers: Orphanet 669, Orphanet 90652, MedGen C1844696, MONDO:0010571, OMIM 304120.
Frontometaphyseal dysplasia (FMD1). Identifiers: Orphanet 1826, MedGen C0265293, MONDO:0015942.
Melnick-Needles syndrome (MNS). Also called: Melnick-Needles Syndrome (FLNA-MNS); MELNICK-NEEDLES OSTEODYSPLASTY; OSTEODYSPLASTY OF MELNICK AND NEEDLES. Identifiers: Orphanet 2484, MedGen C0025237, MONDO:0010650, OMIM 309350.
Familial thoracic aortic aneurysm and aortic dissection (TAAD). Also called: Thoracic aortic aneurysms and dissections. Identifiers: Orphanet 91387, MedGen C4707243, MONDO:0019625.

Allele frequency attached by ClinVar (database versions not stated): gnomAD exomes below 0.00001.
gnomAD v4.1: 1 of 1,212,083 alleles (0.000083%); highest among the groups gnomAD compares: Non-Finnish European, 0.00011%; no homozygotes.

Submissions (4):

Ambry Genetics
Classification: Uncertain significance for Familial thoracic aortic aneurysm and aortic dissection. Last evaluated: 2026-08-19. Review status: criteria provided, single submitter. Criteria: Ambry Variant Classification Scheme 2023. Collection method: clinical testing. Allele origin: germline.
Comment: The p.A2541S variant (also known as c.7621G>T), located in coding exon 45 of the FLNA gene, results from a G to T substitution at nucleotide position 7621. The alanine at codon 2541 is replaced by serine, an amino acid with similar properties. This amino acid position is conserved. In addition, this alteration is predicted to be tolerated by in silico analysis. Based on the available evidence, the clinical significance of this variant remains unclear.

Labcorp Genetics (formerly Invitae), Labcorp
Classification: Uncertain significance for Oto-palato-digital syndrome, type II; Heterotopia, periventricular, X-linked dominant; Frontometaphyseal dysplasia; Melnick-Needles syndrome. Last evaluated: 2025-10-06. Review status: criteria provided, single submitter. Criteria: Invitae Variant Classification Sherloc (09022015). Collection method: clinical testing. Allele origin: germline.
Comment: This sequence change replaces alanine, which is neutral and non-polar, with serine, which is neutral and polar, at codon 2541 of the FLNA protein (p.Ala2541Ser). This variant is not present in population databases (gnomAD no frequency). This variant has not been reported in the literature in individuals affected with FLNA-related conditions. ClinVar contains an entry for this variant (Variation ID: 512188). Invitae Evidence Modeling of protein sequence and biophysical properties (such as structural, functional, and spatial information, amino acid conservation, physicochemical variation, residue mobility, and thermodynamic stability) indicates that this missense variant is not expected to disrupt FLNA protein function with a negative predictive value of 95%. In summary, the available evidence is currently insufficient to determine the role of this variant in disease. Therefore, it has been classified as a Variant of Uncertain Significance.

Mayo Clinic Laboratories, Mayo Clinic
Classification: Uncertain significance. Last evaluated: 2020-12-23. Review status: criteria provided, single submitter. Criteria: ACMG Guidelines, 2015. Collection method: clinical testing. Allele origin: germline. Observed: 1 variant allele.

GeneDx
Classification: Likely benign. Last evaluated: 2019-11-07. Review status: criteria provided, single submitter. Criteria: GeneDx Variant Classification Process June 2021. Collection method: clinical testing. Allele origin: germline. Affected: yes.

NM_001110556.2(FLNA):c.7645G>T (p.Ala2549Ser)

Genes: FLNA (filamin A; minus strand), LOC107988032 (Xq28 proximal FLNA-EMD recombination region; plus strand). Cytogenetic location: Xq28.
Variant type: single nucleotide variant.
Coding change: c.7645G>T on transcript NM_001110556.2 (MANE Select); coding-DNA position 7645, G replaced by T.
Protein change: p.Ala2549Ser; replaces alanine 2549 with serine.
Molecular consequence: missense variant.
Genome position (GRCh38, 1-based): chrX:154,349,473, C>A on the plus strand (G>T on the coding strand, the complement: FLNA is on the minus strand). VCF-style: chrX-154349473-C-A. GRCh37 (hg19) VCF-style: chrX-153577841-C-A.
Other names: c.7621G>T, p.Ala2541Ser (NM_001456.4); short protein forms A2541S, A2549S.
Identifiers: ClinVar variation 512188 (VCV000512188.18), dbSNP rs1557175287, ClinGen allele CA415180314.